The following is an entry in ClinVar:

ClinVar aggregate classification (germline): Uncertain significance (1 of 4 stars; one submission).

Conditions:
X-linked agammaglobulinemia with growth hormone deficiency (IGHD3). Also called: AGAMMAGLOBULINEMIA AND ISOLATED GROWTH HORMONE DEFICIENCY, X-LINKED; FLEISHER SYNDROME; HYPOGAMMAGLOBULINEMIA AND ISOLATED GROWTH HORMONE DEFICIENCY, X-LINKED; IGHD III; Isolated growth hormone deficiency type 3; Growth hormone deficiency with hypogammaglobulinemia. Identifiers: Orphanet 231692, Orphanet 631, MedGen C0472813, MONDO:0010615, OMIM 307200.

Submission:

Labcorp Genetics (formerly Invitae), Labcorp
Classification: Uncertain significance for X-linked agammaglobulinemia with growth hormone deficiency. Last evaluated: 2024-06-20. Review status: criteria provided, single submitter. Criteria: Invitae Variant Classification Sherloc (09022015). Collection method: clinical testing. Allele origin: germline.
Comment: This sequence change affects an acceptor splice site in intron 18 of the BTK gene. While this variant is not anticipated to result in nonsense mediated decay, it likely alters RNA splicing and results in a disrupted protein product. This variant is not present in population databases (gnomAD no frequency). Disruption of this splice site has been observed in individual(s) with agammaglobulinemia (Invitae). ClinVar contains an entry for this variant (Variation ID: 2031110). Variants that disrupt the consensus splice site are a relatively common cause of aberrant splicing (PMID: 17576681, 9536098). Algorithms developed to predict the effect of sequence changes on RNA splicing suggest that this variant may disrupt the consensus splice site. In summary, the available evidence is currently insufficient to determine the role of this variant in disease. Therefore, it has been classified as a Variant of Uncertain Significance.

Literature cited by the submitters: PubMed 17576681; PubMed 9536098.

NM_000061.3(BTK):c.1909-1G>A

Gene: BTK (Bruton tyrosine kinase; minus strand). Cytogenetic location: Xq22.1.
Variant type: single nucleotide variant.
Coding change: c.1909-1G>A on transcript NM_000061.3 (MANE Select); the canonical splice acceptor site of the intron before coding-DNA position 1909, G replaced by A.
Molecular consequence: splice acceptor variant.
Genome position (GRCh38, 1-based): chrX:101,349,957, C>T on the plus strand (G>A on the coding strand, the complement: BTK is on the minus strand). VCF-style: chrX-101349957-C-T. GRCh37 (hg19) VCF-style: chrX-100604945-C-T.
Other names: c.2011-1G>A (NM_001287344.2); c.1381-1G>A (NM_001287345.2).
Identifiers: ClinVar variation 2031110 (VCV002031110.4), dbSNP rs2520501955, ClinGen allele CA413917910.